The following is an entry in ClinVar:

ClinVar aggregate classification (germline): Uncertain significance (1 of 4 stars; one submission).

Conditions:
Congenital muscular dystrophy due to integrin alpha-7 deficiency. Also called: MYOPATHY, CONGENITAL, DUE TO INTEGRIN ALPHA-7 DEFICIENCY; Congenital muscular dystrophy with integrin alpha-7 deficiency; Muscular dystrophy, congenital, due to ITGA7 deficiency. Identifiers: Orphanet 34520, MedGen C2750786, MONDO:0013177, OMIM 613204.

Allele frequency attached by ClinVar (database versions not stated): gnomAD exomes below 0.00001; gnomAD 0.00001; TOPMed 0.00002.
gnomAD v4.1: 6 of 1,613,908 alleles (0.00037%); highest among the groups gnomAD compares: Admixed American, 0.0017%; no homozygotes.

Submission:

Labcorp Genetics (formerly Invitae), Labcorp
Classification: Uncertain significance for Congenital muscular dystrophy due to integrin alpha-7 deficiency. Last evaluated: 2022-07-30. Review status: criteria provided, single submitter. Criteria: Invitae Variant Classification Sherloc (09022015). Collection method: clinical testing. Allele origin: germline.
Comment: This sequence change replaces aspartic acid, which is acidic and polar, with asparagine, which is neutral and polar, at codon 237 of the ITGA7 protein (p.Asp237Asn). This variant is present in population databases (rs754762899, gnomAD 0.0009%). This variant has not been reported in the literature in individuals affected with ITGA7-related conditions. ClinVar contains an entry for this variant (Variation ID: 537992). Algorithms developed to predict the effect of missense changes on protein structure and function are either unavailable or do not agree on the potential impact of this missense change (SIFT: "Tolerated"; PolyPhen-2: "Possibly Damaging"; Align-GVGD: "Class C0"). In summary, the available evidence is currently insufficient to determine the role of this variant in disease. Therefore, it has been classified as a Variant of Uncertain Significance.

NM_002206.3(ITGA7):c.709G>A (p.Asp237Asn)

Gene: ITGA7 (integrin subunit alpha 7; minus strand). Cytogenetic location: 12q13.2.
Variant type: single nucleotide variant.
Coding change: c.709G>A on transcript NM_002206.3 (MANE Select); coding-DNA position 709, G replaced by A.
Protein change: p.Asp237Asn; replaces aspartic acid 237 with asparagine.
Molecular consequence: missense variant. On other transcripts: intron variant (7).
Genome position (GRCh38, 1-based): chr12:55,699,951, C>T on the plus strand (G>A on the coding strand, the complement: ITGA7 is on the minus strand). VCF-style: chr12-55699951-C-T. GRCh37 (hg19) VCF-style: chr12-56093735-C-T.
Other names: c.709G>A, p.Asp237Asn (NM_001374465.1, NM_001414031.1, NM_001414034.1); c.841G>A, p.Asp281Asn (NM_001410977.1); c.526G>A, p.Asp176Asn (NM_001414033.1); c.370G>A, p.Asp124Asn (NM_001414035.1); c.511+311G>A (NM_001144997.2); c.463+311G>A (NM_001367993.1); c.-503+948G>A (NM_001367994.1); c.670+948G>A (NM_001414032.1); and 1 more; short protein forms D237N, D281N, D176N, D124N.
Identifiers: ClinVar variation 537992 (VCV000537992.7), dbSNP rs754762899, ClinGen allele CA237576585.